The following is an entry in ClinVar:

ClinVar aggregate classification (germline): Uncertain significance (1 of 4 stars; one submission).

Conditions:
Hereditary motor and sensory neuropathy, Okinawa type (HMSNO). Also called: HEREDITARY MOTOR AND SENSORY NEUROPATHY, PROXIMAL TYPE. Identifiers: Orphanet 90117, MedGen C1858338, MONDO:0011468, OMIM 604484.
Hereditary spastic paraplegia 57. Also called: Spastic paraplegia 57, autosomal recessive. Identifiers: Orphanet 431329, MedGen C3714897, MONDO:0014295, OMIM 615658.

Submission:

Labcorp Genetics (formerly Invitae), Labcorp
Classification: Uncertain significance for Hereditary motor and sensory neuropathy, Okinawa type; Hereditary spastic paraplegia 57. Last evaluated: 2022-10-07. Review status: criteria provided, single submitter. Criteria: Invitae Variant Classification Sherloc (09022015). Collection method: clinical testing. Allele origin: germline.
Comment: Advanced modeling of protein sequence and biophysical properties (such as structural, functional, and spatial information, amino acid conservation, physicochemical variation, residue mobility, and thermodynamic stability) performed at Invitae indicates that this missense variant is not expected to disrupt TFG protein function. In summary, the available evidence is currently insufficient to determine the role of this variant in disease. Therefore, it has been classified as a Variant of Uncertain Significance. This variant has not been reported in the literature in individuals affected with TFG-related conditions. This sequence change replaces glutamine, which is neutral and polar, with histidine, which is basic and polar, at codon 320 of the TFG protein (p.Gln320His). This variant is not present in population databases (gnomAD no frequency).

NM_006070.6(TFG):c.960G>T (p.Gln320His)

Gene: TFG (trafficking from ER to golgi regulator; plus strand). Cytogenetic location: 3q12.2.
Variant type: single nucleotide variant.
Coding change: c.960G>T on transcript NM_006070.6 (MANE Select); coding-DNA position 960, G replaced by T.
Protein change: p.Gln320His; replaces glutamine 320 with histidine.
Molecular consequence: missense variant.
Genome position (GRCh38, 1-based): chr3:100,748,288, G>T. VCF-style: chr3-100748288-G-T. GRCh37 (hg19) VCF-style: chr3-100467132-G-T.
Other names: c.960G>T, p.Gln320His (NM_001007565.2, NM_001195478.2); c.948G>T, p.Gln316His (NM_001195479.2); short protein forms Q316H, Q320H.
Identifiers: ClinVar variation 1721215 (VCV001721215.5), dbSNP rs2472157851, ClinGen allele CA353853706.